The following is an entry in ClinVar:

NM_001244008.2(KIF1A):c.4985G>A (p.Arg1662His)

Gene: KIF1A (kinesin family member 1A; minus strand). Cytogenetic location: 2q37.3.
Variant type: single nucleotide variant.
Coding change: c.4985G>A on transcript NM_001244008.2 (MANE Select); coding-DNA position 4985, G replaced by A.
Protein change: p.Arg1662His; replaces arginine 1662 with histidine.
Molecular consequence: missense variant.
Genome position (GRCh38, 1-based): chr2:240,719,810, C>T on the plus strand (G>A on the coding strand, the complement: KIF1A is on the minus strand). VCF-style: chr2-240719810-C-T. GRCh37 (hg19) VCF-style: chr2-241659227-C-T.
Other names: c.4709G>A, p.Arg1570His (NM_001320705.2, NM_001379649.1); c.4736G>A, p.Arg1579His (NM_001330289.2); c.4784G>A, p.Arg1595His (NM_001330290.2, NM_001379648.1); c.5060G>A, p.Arg1687His (NM_001379631.1); c.4961G>A, p.Arg1654His (NM_001379632.1); c.4958G>A, p.Arg1653His (NM_001379633.1, NM_001379645.1); c.4811G>A, p.Arg1604His (NM_001379634.1); c.4808G>A, p.Arg1603His (NM_001379635.1, NM_001379646.1); and 8 more; short protein forms R1561H, R1662H, R1595H, R1579H, R1570H, R1560H, R1569H, R1578H.
Identifiers: ClinVar variation 464256 (VCV000464256.53), dbSNP rs199557318, ClinGen allele CA2207234.

ClinVar aggregate classification (germline): Conflicting classifications of pathogenicity. Review status: criteria provided, conflicting classifications (1 of 4 stars). 7 submissions from 7 submitters: Uncertain significance (5); Likely benign (2). Last evaluated 2026-01-05.

Conditions:
Hereditary spastic paraplegia 30. Identifiers: Orphanet 101010, MedGen C5235139, MONDO:0012476.
Neuropathy, hereditary sensory, type 2C. Also called: Hereditary sensory and autonomic neuropathy type IIC; KIF1A-Related HSAN2 (HSAN2C). Identifiers: Orphanet 970, MedGen C3280168, MONDO:0013634, OMIM 614213.
Intellectual disability, autosomal dominant 9 (NESCAVS). Also called: NESCAV SYNDROME; KIF1A-Related Neurodevelopmental Disorder. Identifiers: Orphanet 662367, MedGen C5393830, MONDO:0013656, OMIM 614255.

Allele frequency attached by ClinVar (database versions not stated): gnomAD exomes 0.00015 and 0.00018; ESP Exome Variant Server 0.00016; gnomAD 0.00024 and 0.00026; ExAC 0.00025; TOPMed 0.00026.
gnomAD v4.1: 261 of 1,606,608 alleles (0.016%); highest among the groups gnomAD compares: African/African-American, 0.039%; no homozygotes.

Submissions (7):

Labcorp Genetics (formerly Invitae), Labcorp
Classification: Likely benign for Hereditary spastic paraplegia 30; Neuropathy, hereditary sensory, type 2C; Intellectual disability, autosomal dominant 9. Last evaluated: 2026-01-05. Review status: criteria provided, single submitter. Criteria: Invitae Variant Classification Sherloc (09022015). Collection method: clinical testing. Allele origin: germline.

Blueprint Genetics
Classification: Uncertain significance. Last evaluated: 2024-09-23. Review status: criteria provided, single submitter. Criteria: ACMG Guidelines, 2015. Collection method: clinical testing. Allele origin: germline.

GeneDx
Classification: Uncertain significance. Last evaluated: 2024-05-23. Review status: criteria provided, single submitter. Criteria: GeneDx Variant Classification Process June 2021. Collection method: clinical testing. Allele origin: germline. Affected: yes.
Comment: Reported in the heterozygous state in an adult with hereditary spastic paraplegia (PMID: 32737135); Identified in a healthy parent of an individual with epilepsy and intellectual disability (PMID: 34490037); In silico analysis indicates that this missense variant does not alter protein structure/function; This amino acid substitution does not occur within the predicted motor domain of the protein, where most pathogenic missense variants in KIF1A have been identified (PMID: 25265257); This variant is associated with the following publications: (PMID: 34490037, 32737135, 25265257)

Victorian Clinical Genetics Services, Murdoch Childrens Research Institute
Classification: Likely benign for Spastic paraplegia 30A, autosomal dominant. Last evaluated: 2023-07-17. Review status: criteria provided, single submitter. Criteria: ACMG Guidelines, 2015. Collection method: clinical testing. Allele origin: germline. Affected: yes.
Comment: Based on the classification scheme VCGS_Germline_v1.3.4, this variant is classified as Likely benign. Following criteria are met: 0103 - Dominant negative, loss of function and gain of function are known mechanisms of disease in this gene. Variants with a dominant negative effect have been shown to cause NESCAV syndrome (MIM#614255; OMIM). Both loss and gain of function mechanisms have been reported for variants causing spastic paraplegia (MIM#610357, MIM#610357) and hereditary sensory and autonomic neuropathy type 2 (HSAN2; MIM#614213) (PMID: 31488895, 31455732). (I) 0108 - This gene is associated with both recessive and dominant disease. Genotype-phenotype correlation is not currently established. Missense variants tend to cluster within the kinesin motor domain and have been reported for both SPG30 and NESCAV syndrome. (I) 0200 - Variant is predicted to result in a missense amino acid change from arginine to histidine. (I) 0251 - This variant is heterozygous. (I) 0304 - Variant is present in gnomAD <0.01 (v2; 57 heterozygotes, 0 homozygotes). (SP) 0309 - An alternative amino acid change at the same position has been observed in gnomAD (v2; 5 heterozygotes, 0 homozygotes). (I) 0502 - Missense variant with conflicting in silico predictions and uninformative conservation. (I) 0604 - Variant is not located in an established domain, motif, hotspot or informative constraint region. (I) 0705 - No comparable missense variants have previous evidence for pathogenicity. (I) 0808 - Previous reports of pathogenicity for this variant are conflicting. This variant has been classified as a VUS and likely benign in ClinVar. (I) 0905 - No published segregation evidence has been identified for this variant. (I) 1007 - No published functional evidence has been identified for this variant. (I) Legend: (SP) - Supporting pathogenic, (I) - Information, (SB) - Supporting benign

CeGaT Center for Human Genetics Tuebingen
Classification: Uncertain significance. Last evaluated: 2022-10-01. Review status: criteria provided, single submitter. Criteria: CeGaT Center For Human Genetics Tuebingen Variant Classification Criteria Version 2. Collection method: clinical testing. Allele origin: germline. Affected: yes. Observed: 1 variant allele.
Comment: KIF1A: PP2

Mayo Clinic Laboratories, Mayo Clinic
Classification: Uncertain significance. Last evaluated: 2020-09-10. Review status: criteria provided, single submitter. Criteria: ACMG Guidelines, 2015. Collection method: clinical testing. Allele origin: germline. Observed: 1 variant allele.

ARUP Laboratories, Molecular Genetics and Genomics, ARUP Laboratories
Classification: Uncertain significance. Last evaluated: 2019-10-07. Review status: criteria provided, single submitter. Criteria: ARUP Molecular Germline Variant Investigation Process. Collection method: clinical testing. Allele origin: germline.
Comment: The KIF1A c.4682G>A; p.Arg1561His variant (rs199557318), to our knowledge, is not reported in the medical literature but is reported in ClinVar (Variation ID: 464256). This variant is found in the Ashkenazi Jewish population with an overall allele frequency of 0.11% (11/9766 alleles) in the Genome Aggregation Database. The arginine at codon 1561 is moderately conserved, and computational analyses (SIFT, PolyPhen-2) predict that this variant is tolerated. However, given the lack of clinical and functional data, the significance of the p.Arg1561His variant is uncertain at this time.

Literature cited by the submitters: PubMed 31455732 (cited by Victorian Clinical Genetics Services, Murdoch Childrens Research Institute); PubMed 31488895 (cited by Victorian Clinical Genetics Services, Murdoch Childrens Research Institute).